The following is an entry in ClinVar:

NM_004006.3(DMD):c.2977C>T (p.Gln993Ter)

Gene: DMD (dystrophin; minus strand). Cytogenetic location: Xp21.1.
Variant type: single nucleotide variant.
Coding change: c.2977C>T on transcript NM_004006.3 (MANE Select); coding-DNA position 2977, C replaced by T.
Protein change: p.Gln993Ter; replaces glutamine 993 with a stop codon.
Molecular consequence: nonsense.
Genome position (GRCh38, 1-based): chrX:32,468,683, G>A on the plus strand (C>T on the coding strand, the complement: DMD is on the minus strand). VCF-style: chrX-32468683-G-A. GRCh37 (hg19) VCF-style: chrX-32486800-G-A.
Other names: c.2953C>T, p.Gln985Ter (NM_000109.4); c.2965C>T, p.Gln989Ter (NM_004009.3); c.2608C>T, p.Gln870Ter (NM_004010.3); short protein forms Q993*, Q870*, Q985*, Q989*.
Identifiers: ClinVar variation 4710688 (VCV004710688.1), dbSNP rs398123917.
Genomic context (GRCh38, chrX:32,468,683, plus strand): 5'-CAGAGGGCGCTTTCTTCGACATCTCTTTCACAGTGGTGCTGAGATAGTATAGGCCACTTT[G>A]TTGCTCTTGCAGAGAACTTTGTAAAGCCTAAAAAACAATTTTTTAAATACATTTACCCTA-3'

ClinVar aggregate classification (germline): Pathogenic (1 of 4 stars; one submission).

Conditions:
Duchenne muscular dystrophy (DMD). Also called: MUSCULAR DYSTROPHY, PSEUDOHYPERTROPHIC PROGRESSIVE, DUCHENNE TYPE; Duchenne Muscular Dystrophy (DMD). Identifiers: Orphanet 98896, MedGen C0013264, MONDO:0010679, OMIM 310200.

Submission:

Labcorp Genetics (formerly Invitae), Labcorp
Classification: Pathogenic for Duchenne muscular dystrophy. Last evaluated: 2025-05-02. Review status: criteria provided, single submitter. Criteria: Invitae Variant Classification Sherloc (09022015). Collection method: clinical testing. Allele origin: germline.
Comment: This sequence change creates a premature translational stop signal (p.Gln993*) in the DMD gene. It is expected to result in an absent or disrupted protein product. Loss-of-function variants in DMD are known to be pathogenic (PMID: 16770791, 25007885). This variant is not present in population databases (gnomAD no frequency). This premature translational stop signal has been observed in individual(s) with DMD-related conditions (PMID: 7951253). For these reasons, this variant has been classified as Pathogenic.

Literature cited by the submitters: PubMed 16770791; PubMed 25007885; PubMed 7951253.